The following is an entry in ClinVar:

NM_000179.3(MSH6):c.808_810del (p.Lys270del)

Gene: MSH6 (mutS homolog 6; plus strand). Cytogenetic location: 2p16.3.
Variant type: Deletion.
Coding change: c.808_810del on transcript NM_000179.3 (MANE Select); coding-DNA positions 808 to 810, 3 bases deleted (AAG; older notation c.808_810delAAG).
Protein change: p.Lys270del; deletes lysine 270.
Molecular consequence: inframe deletion. On other transcripts: 5 prime UTR variant (2).
Genome position (GRCh38, 1-based): chr2:47,798,791-47,798,793, AAG deleted. VCF-style (leftmost placement, unchanged base first): chr2-47798790-TAAG-T. GRCh37 (hg19) VCF-style: chr2-48025929-TAAG-T.
Other names: c.418_420del, p.Lys140del (NM_001281492.2); c.-99_-97del (NM_001281493.2, NM_001281494.2); c.808_810delAAG (NM_000179.2); short protein forms K140del, K270del.
Identifiers: ClinVar variation 993141 (VCV000993141.7), dbSNP rs1669257767, ClinGen allele CA1139657005.
Genomic context (GRCh38, chr2:47,798,790, plus strand): 5'-GGTCATATCAGATTCTGAGAGTGACATTGGTGGCTCTGATGTGGAATTTAAGCCAGACAC[TAAG>T]GAGGAAGGAAGCAGTGATGAAATAAGCAGTGGAGTGGGGGATAGTGAGAGTGAAGGCCTG-3'

ClinVar aggregate classification (germline): Uncertain significance. Review status: criteria provided, multiple submitters, no conflicts (2 of 4 stars). 4 submissions from 4 submitters: Uncertain significance (4). Last evaluated 2024-09-06.

Conditions:
Hereditary nonpolyposis colorectal neoplasms. Identifiers: MedGen C0009405, MeSH D003123.
Hereditary cancer-predisposing syndrome. Also called: Neoplastic Syndromes, Hereditary; Hereditary Cancer Syndrome; Tumor predisposition; Hereditary neoplastic syndrome. Identifiers: Orphanet 140162, MedGen C0027672, MeSH D009386, MONDO:0015356.

Submissions (4):

GeneDx
Classification: Uncertain significance. Last evaluated: 2024-09-06. Review status: criteria provided, single submitter. Criteria: GeneDx Variant Classification Process June 2021. Collection method: clinical testing. Allele origin: germline. Affected: yes.
Comment: In-frame deletion of one amino acid in a non-repeat region; Not observed at significant frequency in large population cohorts (gnomAD); In silico analysis supports a deleterious effect on protein structure/function; Has not been previously published as pathogenic or benign to our knowledge; This variant is associated with the following publications: (PMID: 21437237)

Labcorp Genetics (formerly Invitae), Labcorp
Classification: Uncertain significance for Hereditary nonpolyposis colorectal neoplasms. Last evaluated: 2024-05-20. Review status: criteria provided, single submitter. Criteria: Invitae Variant Classification Sherloc (09022015). Collection method: clinical testing. Allele origin: germline.
Comment: This variant, c.808_810del, results in the deletion of 1 amino acid(s) of the MSH6 protein (p.Lys270del), but otherwise preserves the integrity of the reading frame. This variant is not present in population databases (gnomAD no frequency). This variant has not been reported in the literature in individuals affected with MSH6-related conditions. ClinVar contains an entry for this variant (Variation ID: 993141). Experimental studies and prediction algorithms are not available or were not evaluated, and the functional significance of this variant is currently unknown. In summary, the available evidence is currently insufficient to determine the role of this variant in disease. Therefore, it has been classified as a Variant of Uncertain Significance.

Ambry Genetics
Classification: Uncertain significance for Hereditary cancer-predisposing syndrome. Last evaluated: 2022-06-02. Review status: criteria provided, single submitter. Criteria: Ambry Variant Classification Scheme 2023. Collection method: clinical testing. Allele origin: germline.
Comment: The c.808_810delAAG variant (also known as p.K270del) is located in coding exon 4 of the MSH6 gene. This variant results from an in-frame AAG deletion at nucleotide positions 808 to 810. This results in the in-frame deletion of a lysine at codon 270. This amino acid position is well conserved in available vertebrate species. In addition, this alteration is predicted to be neutral by in silico analysis (Choi Y et al. PLoS ONE. 2012; 7(10):e46688). Since supporting evidence is limited at this time, the clinical significance of this alteration remains unclear.

Quest Diagnostics Nichols Institute San Juan Capistrano
Classification: Uncertain significance. Last evaluated: 2019-11-14. Review status: criteria provided, single submitter. Criteria: Quest Diagnostics criteria. Collection method: clinical testing. Allele origin: unknown.